The following is an entry in ClinVar:

ClinVar aggregate classification (germline): Uncertain significance. Review status: criteria provided, multiple submitters, no conflicts (2 of 4 stars). 3 submissions from 3 submitters: Uncertain significance (3). Last evaluated 2023-05-08.

Conditions:
Hereditary cancer-predisposing syndrome. Also called: Hereditary neoplastic syndrome; Hereditary Cancer Syndrome; Neoplastic Syndromes, Hereditary; Tumor predisposition. Identifiers: Orphanet 140162, MedGen C0027672, MeSH D009386, MONDO:0015356.

Allele frequency attached by ClinVar (database versions not stated): gnomAD exomes below 0.00001.

Submissions (3):

Labcorp Genetics (formerly Invitae), Labcorp
Classification: Uncertain significance. Last evaluated: 2023-05-08. Review status: criteria provided, single submitter. Criteria: Invitae Variant Classification Sherloc (09022015). Collection method: clinical testing. Allele origin: germline.
Comment: In summary, the available evidence is currently insufficient to determine the role of this variant in disease. Therefore, it has been classified as a Variant of Uncertain Significance. Advanced modeling of protein sequence and biophysical properties (such as structural, functional, and spatial information, amino acid conservation, physicochemical variation, residue mobility, and thermodynamic stability) performed at Invitae indicates that this missense variant is not expected to disrupt POLE protein function. ClinVar contains an entry for this variant (Variation ID: 578337). This variant has not been reported in the literature in individuals affected with POLE-related conditions. This variant is not present in population databases (gnomAD no frequency). This sequence change replaces methionine, which is neutral and non-polar, with valine, which is neutral and non-polar, at codon 1632 of the POLE protein (p.Met1632Val).

Ambry Genetics
Classification: Uncertain significance for Hereditary cancer-predisposing syndrome. Last evaluated: 2022-01-05. Review status: criteria provided, single submitter. Criteria: Ambry Variant Classification Scheme 2023. Collection method: clinical testing. Allele origin: germline.
Comment: The p.M1632V variant (also known as c.4894A>G), located in coding exon 37 of the POLE gene, results from an A to G substitution at nucleotide position 4894. The methionine at codon 1632 is replaced by valine, an amino acid with highly similar properties. This amino acid position is conserved. In addition, this alteration is predicted to be tolerated by in silico analysis. Since supporting evidence is limited at this time, the clinical significance of this alteration remains unclear.

Blueprint Genetics
Classification: Uncertain significance. Last evaluated: 2021-09-27. Review status: criteria provided, single submitter. Criteria: ACMG Guidelines, 2015. Collection method: clinical testing. Allele origin: germline.

NM_006231.4(POLE):c.4894A>G (p.Met1632Val)

Gene: POLE (DNA polymerase epsilon, catalytic subunit; minus strand). Cytogenetic location: 12q24.33.
Variant type: single nucleotide variant.
Coding change: c.4894A>G on transcript NM_006231.4 (MANE Select); coding-DNA position 4894, A replaced by G.
Protein change: p.Met1632Val; replaces methionine 1632 with valine.
Molecular consequence: missense variant.
Genome position (GRCh38, 1-based): chr12:132,642,564, T>C on the plus strand (A>G on the coding strand, the complement: POLE is on the minus strand). VCF-style: chr12-132642564-T-C. GRCh37 (hg19) VCF-style: chr12-133219150-T-C.
Other names: short protein forms M1632V.
Identifiers: ClinVar variation 578337 (VCV000578337.13), dbSNP rs1565937490, ClinGen allele CA387378000.
Genomic context (GRCh38, chr12:132,642,564, plus strand): 5'-ACCTGCTCATCTCGAAGGCCTGCGACAGGCAGGTGTCCAGGTTGAGGTAGTGACGGATCA[T>C]GCGCCGGGCTCCATGGCGCTGCCAGTCCAGGACCCCATAGTTGATCTTGTCAGCCACACA-3'
Protein context (NP_006222.2, residues 1622-1642): LDWQRHGARR[Met1632Val]IRHYLNLDTC